The following is an entry in ClinVar:

NM_001013838.3(CARMIL2):c.2125T>C (p.Ser709Pro)

Gene: CARMIL2 (capping protein regulator and myosin 1 linker 2; plus strand). Cytogenetic location: 16q22.1.
Variant type: single nucleotide variant.
Coding change: c.2125T>C on transcript NM_001013838.3 (MANE Select); coding-DNA position 2125, T replaced by C.
Protein change: p.Ser709Pro; replaces serine 709 with proline.
Molecular consequence: missense variant.
Genome position (GRCh38, 1-based): chr16:67,650,091, T>C. VCF-style: chr16-67650091-T-C. GRCh37 (hg19) VCF-style: chr16-67683994-T-C.
Other names: c.2017T>C, p.Ser673Pro (NM_001317026.3); short protein forms S673P, S709P.
Identifiers: ClinVar variation 1495905 (VCV001495905.8), dbSNP rs2142928313, ClinGen allele CA396340264.

ClinVar aggregate classification (germline): Uncertain significance (1 of 4 stars; one submission).

Allele frequency attached by ClinVar (database versions not stated): gnomAD exomes below 0.00001.
gnomAD v4.1: 1 of 1,613,736 alleles (0.000062%); highest among the groups gnomAD compares: Non-Finnish European, 0.000085%; no homozygotes.

Submission:

Labcorp Genetics (formerly Invitae), Labcorp
Classification: Uncertain significance. Last evaluated: 2024-10-16. Review status: criteria provided, single submitter. Criteria: Invitae Variant Classification Sherloc (09022015). Collection method: clinical testing. Allele origin: germline.
Comment: This sequence change replaces serine, which is neutral and polar, with proline, which is neutral and non-polar, at codon 709 of the CARMIL2 protein (p.Ser709Pro). This variant is not present in population databases (gnomAD no frequency). This variant has not been reported in the literature in individuals affected with CARMIL2-related conditions. ClinVar contains an entry for this variant (Variation ID: 1495905). Invitae Evidence Modeling of protein sequence and biophysical properties (such as structural, functional, and spatial information, amino acid conservation, physicochemical variation, residue mobility, and thermodynamic stability) indicates that this missense variant is not expected to disrupt CARMIL2 protein function with a negative predictive value of 80%. In summary, the available evidence is currently insufficient to determine the role of this variant in disease. Therefore, it has been classified as a Variant of Uncertain Significance.